The following is an entry in ClinVar:

ClinVar aggregate classification (germline): Uncertain significance. Review status: criteria provided, multiple submitters, no conflicts (2 of 4 stars). 4 submissions from 4 submitters: Uncertain significance (2). 2 of the submissions do not count toward it. Last evaluated 2026-02-02.

Conditions:
Dyskeratosis congenita. Identifiers: Orphanet 1775, MedGen C0265965, MONDO:0015780.
RTEL1-related disorder. Also called: RTEL1-related disorders; RTEL1-related condition.
Dyskeratosis congenita, autosomal recessive 5 (DKCB5). Identifiers: MedGen C3554656, MONDO:0014076, OMIM 615190.
Pulmonary fibrosis and/or bone marrow failure, Telomere-related, 3. Also called: PULMONARY FIBROSIS AND/OR BONE MARROW FAILURE SYNDROME, TELOMERE-RELATED, 3. Identifiers: Orphanet 2032, MedGen C4225346, MONDO:0014613, OMIM 616373.
Inborn genetic diseases. Identifiers: MedGen C0950123, MeSH D030342.

Allele frequency attached by ClinVar (database versions not stated): gnomAD 0.00015 and 0.00011; ExAC 0.00026; 1000 Genomes Project 30x 0.00078; TOPMed 0.00007; ESP Exome Variant Server 0.00023; 1000 Genomes Project 0.00100.
gnomAD v4.1: 507 of 1,606,904 alleles (0.032%); highest among the groups gnomAD compares: South Asian, 0.087%; 1 homozygote.

Submissions (4):

Labcorp Genetics (formerly Invitae), Labcorp
Classification: Uncertain significance for Dyskeratosis congenita, autosomal recessive 5; Pulmonary fibrosis and/or bone marrow failure, Telomere-related, 3. Last evaluated: 2026-02-02. Review status: criteria provided, single submitter. Criteria: Invitae Variant Classification Sherloc (09022015). Collection method: clinical testing. Allele origin: germline.
Comment: This sequence change replaces valine, which is neutral and non-polar, with methionine, which is neutral and non-polar, at codon 1008 of the RTEL1 protein (p.Val1008Met). This variant is present in population databases (rs145335410, gnomAD 0.09%). This variant has not been reported in the literature in individuals affected with RTEL1-related conditions. This variant is also known as NM_032957.4:c.3094G>A (p.Val1032Met). ClinVar contains an entry for this variant (Variation ID: 970824). An algorithm developed to predict the effect of missense changes on protein structure and function (PolyPhen-2) suggests that this variant is likely to be tolerated. In summary, the available evidence is currently insufficient to determine the role of this variant in disease. Therefore, it has been classified as a Variant of Uncertain Significance.

Ambry Genetics
Classification: Uncertain significance for Inborn genetic diseases. Last evaluated: 2024-02-25. Review status: criteria provided, single submitter. Criteria: Ambry Variant Classification Scheme 2023. Collection method: clinical testing. Allele origin: germline.
Comment: The p.V1032M variant (also known as c.3094G>A), located in coding exon 30 of the RTEL1 gene, results from a G to A substitution at nucleotide position 3094. The valine at codon 1032 is replaced by methionine, an amino acid with highly similar properties. This amino acid position is conserved. In addition, this alteration is predicted to be tolerated by in silico analysis. Based on the available evidence, the clinical significance of this alteration remains unclear.

PreventionGenetics, part of Exact Sciences
Classification: Uncertain significance for RTEL1-related condition. Last evaluated: 2023-11-30. Review status: no assertion criteria provided. Collection method: clinical testing. Allele origin: germline. Not counted in ClinVar's aggregate classification.
Comment: The RTEL1 c.3094G>A variant is predicted to result in the amino acid substitution p.Val1032Met. To our knowledge, this variant has not been reported in the literature. This variant is reported in 0.085% of alleles in individuals of South Asian descent in gnomAD. At this time, the clinical significance of this variant is uncertain due to the absence of conclusive functional and genetic evidence.

Natera, Inc.
Classification: Uncertain significance for Dyskeratosis congenita. Last evaluated: 2020-01-18. Review status: no assertion criteria provided. Collection method: clinical testing. Allele origin: germline. Not counted in ClinVar's aggregate classification.

NM_001283009.2(RTEL1):c.3022G>A (p.Val1008Met)

Genes: RTEL1 (regulator of telomere elongation helicase 1; plus strand), RTEL1-TNFRSF6B (RTEL1-TNFRSF6B readthrough (NMD candidate); plus strand). Cytogenetic location: 20q13.33.
Variant type: single nucleotide variant.
Coding change: c.3022G>A on transcript NM_001283009.2 (MANE Select); coding-DNA position 3022, G replaced by A.
Protein change: p.Val1008Met; replaces valine 1008 with methionine.
Molecular consequence: missense variant. On other transcripts: non-coding transcript variant (1).
Genome position (GRCh38, 1-based): chr20:63,694,401, G>A. VCF-style: chr20-63694401-G-A. GRCh37 (hg19) VCF-style: chr20-62325754-G-A.
Other names: c.2353G>A, p.Val785Met (NM_001283010.1); c.3022G>A, p.Val1008Met (NM_016434.4); c.3094G>A, p.Val1032Met (NM_032957.5); c.3094G>A (NM_032957.4); short protein forms V1008M, V785M, V1032M.
Identifiers: ClinVar variation 970824 (VCV000970824.9), dbSNP rs145335410, ClinGen allele CA9965802.
Genomic context (GRCh38, chr20:63,694,401, plus strand): 5'-CCAGCTTTGTGGCTCTACATCTCTTCATCAGGAAGAACGGCGCCGGATCCCAAGCTGACC[G>A]TGTCCACGGCTGCAGCCCAGCAGCTGGACCCCCAAGAGCACCTGAACCAGGGCAGGCCCC-3'
Protein context (NP_001269938.1, residues 998-1018): GRTAPDPKLT[Val1008Met]STAAAQQLDP